The following is an entry in ClinVar:

ClinVar aggregate classification (germline): Uncertain significance (1 of 4 stars; one submission).

Conditions:
Joubert syndrome. Also called: CEREBELLOPARENCHYMAL DISORDER IV; JOUBERT-BOLTSHAUSER SYNDROME; Familial aplasia of the vermis. Identifiers: Orphanet 475, MedGen C5979921, MONDO:0018772.

Submission:

Labcorp Genetics (formerly Invitae), Labcorp
Classification: Uncertain significance for Joubert syndrome. Last evaluated: 2022-04-17. Review status: criteria provided, single submitter. Criteria: Invitae Variant Classification Sherloc (09022015). Collection method: clinical testing. Allele origin: germline.
Comment: In summary, the available evidence is currently insufficient to determine the role of this variant in disease. Therefore, it has been classified as a Variant of Uncertain Significance. Advanced modeling of protein sequence and biophysical properties (such as structural, functional, and spatial information, amino acid conservation, physicochemical variation, residue mobility, and thermodynamic stability) performed at Invitae indicates that this missense variant is expected to disrupt INPP5E protein function. This variant has not been reported in the literature in individuals affected with INPP5E-related conditions. This variant is not present in population databases (gnomAD no frequency). This sequence change replaces tyrosine, which is neutral and polar, with serine, which is neutral and polar, at codon 273 of the INPP5E protein (p.Tyr273Ser).

NM_019892.6(INPP5E):c.818A>C (p.Tyr273Ser)

Gene: INPP5E (inositol polyphosphate-5-phosphatase E; minus strand). Cytogenetic location: 9q34.3.
Variant type: single nucleotide variant.
Coding change: c.818A>C on transcript NM_019892.6 (MANE Select); coding-DNA position 818, A replaced by C.
Protein change: p.Tyr273Ser; replaces tyrosine 273 with serine.
Molecular consequence: missense variant.
Genome position (GRCh38, 1-based): chr9:136,434,858, T>G on the plus strand (A>C on the coding strand, the complement: INPP5E is on the minus strand). VCF-style: chr9-136434858-T-G. GRCh37 (hg19) VCF-style: chr9-139329310-T-G.
Other names: c.818A>C, p.Tyr273Ser (NM_001318502.2); short protein forms Y273S.
Identifiers: ClinVar variation 2127372 (VCV002127372.4), dbSNP rs1399303625, ClinGen allele CA375566168.